The following is an entry in ClinVar:

ClinVar aggregate classification (germline): Likely benign. Review status: criteria provided, multiple submitters, no conflicts (2 of 4 stars). 2 submissions from 2 submitters: Likely benign (2). Last evaluated 2025-01-27.

Allele frequency attached by ClinVar (database versions not stated): TOPMed 0.00008; ExAC 0.00012; gnomAD 0.00012; ESP Exome Variant Server 0.00015; 1000 Genomes Project 30x 0.00016; gnomAD exomes 0.00017; 1000 Genomes Project 0.00020.
gnomAD v4.1: 267 of 1,613,972 alleles (0.017%); highest among the groups gnomAD compares: Non-Finnish European, 0.022%; no homozygotes.

Submissions (2):

Labcorp Genetics (formerly Invitae), Labcorp
Classification: Likely benign. Last evaluated: 2025-01-27. Review status: criteria provided, single submitter. Criteria: Invitae Variant Classification Sherloc (09022015). Collection method: clinical testing. Allele origin: germline.

CeGaT Center for Human Genetics Tuebingen
Classification: Likely benign. Last evaluated: 2024-01-01. Review status: criteria provided, single submitter. Criteria: CeGaT Center For Human Genetics Tuebingen Variant Classification Criteria Version 2. Collection method: clinical testing. Allele origin: germline. Affected: yes. Observed: 2 variant alleles.
Comment: AHDC1: BP4, BP7

NM_001371928.1(AHDC1):c.4050C>T (p.Asn1350=)

Gene: AHDC1 (AT-hook DNA binding motif containing 1; minus strand). Cytogenetic location: 1p36.11.
Variant type: single nucleotide variant.
Coding change: c.4050C>T on transcript NM_001371928.1 (MANE Select); coding-DNA position 4050, C replaced by T.
Protein change: p.Asn1350=; no amino-acid change (asparagine 1350 retained).
Molecular consequence: synonymous variant.
Genome position (GRCh38, 1-based): chr1:27,548,066, G>A on the plus strand (C>T on the coding strand, the complement: AHDC1 is on the minus strand). VCF-style: chr1-27548066-G-A. GRCh37 (hg19) VCF-style: chr1-27874577-G-A.
Other names: c.4050C>T, p.Asn1350= (NM_001029882.3); c.6C>T, p.Asn2= (NM_015699.1).
Identifiers: ClinVar variation 2180192 (VCV002180192.28), dbSNP rs201877251, ClinGen allele CA715443.